The following is an entry in ClinVar:

ClinVar aggregate classification (germline): Pathogenic (1 of 4 stars; one submission).

Conditions:
Osteogenesis imperfecta type I (OI1). Also called: Lobstein's Disease; Osteogenesis imperfecta type 1; Lobstein disease; Classic Non-deforming Osteogenesis Imperfecta with Blue Sclerae; OI, TYPE I; OSTEOGENESIS IMPERFECTA TARDA. Identifiers: Orphanet 216796, Orphanet 666, MedGen C0023931, MONDO:0008146, OMIM 166200. Disease mechanism: loss of function.

Submission:

Labcorp Genetics (formerly Invitae), Labcorp
Classification: Pathogenic for Osteogenesis imperfecta type I. Last evaluated: 2025-07-28. Review status: criteria provided, single submitter. Criteria: Invitae Variant Classification Sherloc (09022015). Collection method: clinical testing. Allele origin: germline.
Comment: This sequence change creates a premature translational stop signal (p.Gln727*) in the COL1A1 gene. It is expected to result in an absent or disrupted protein product. Loss-of-function variants in COL1A1 are known to be pathogenic (PMID: 7942841, 9295084, 9443882). This variant is not present in population databases (gnomAD no frequency). This premature translational stop signal has been observed in individual(s) with osteogenesis imperfecta (PMID: 31447884). ClinVar contains an entry for this variant (Variation ID: 2419138). For these reasons, this variant has been classified as Pathogenic.

Literature cited by the submitters: PubMed 7942841; PubMed 9295084; PubMed 9443882; PubMed 31447884.

NM_000088.4(COL1A1):c.2179C>T (p.Gln727Ter)

Gene: COL1A1 (collagen type I alpha 1 chain; minus strand). Cytogenetic location: 17q21.33.
Variant type: single nucleotide variant.
Coding change: c.2179C>T on transcript NM_000088.4 (MANE Select); coding-DNA position 2179, C replaced by T.
Protein change: p.Gln727Ter; replaces glutamine 727 with a stop codon.
Molecular consequence: nonsense.
Genome position (GRCh38, 1-based): chr17:50,191,439, G>A on the plus strand (C>T on the coding strand, the complement: COL1A1 is on the minus strand). VCF-style: chr17-50191439-G-A. GRCh37 (hg19) VCF-style: chr17-48268800-G-A.
Other names: short protein forms Q727*.
Identifiers: ClinVar variation 2419138 (VCV002419138.6), dbSNP rs2509197207, ClinGen allele CA400211136.